The following is an entry in ClinVar:

ClinVar aggregate classification (germline): Uncertain significance (1 of 4 stars; one submission).

gnomAD v4.1: 33 of 1,613,410 alleles (0.002%); highest among the groups gnomAD compares: Non-Finnish European, 0.0027%; no homozygotes.

Submission:

Labcorp Genetics (formerly Invitae), Labcorp
Classification: Uncertain significance. Last evaluated: 2021-12-02. Review status: criteria provided, single submitter. Criteria: Invitae Variant Classification Sherloc (09022015). Collection method: clinical testing. Allele origin: germline.
Comment: This sequence change falls in intron 44 of the DOCK6 gene. It does not directly change the encoded amino acid sequence of the DOCK6 protein. It affects a nucleotide within the consensus splice site. This variant is present in population databases (rs768791989, gnomAD 0.007%). This variant has not been reported in the literature in individuals affected with DOCK6-related conditions. Variants that disrupt the consensus splice site are a relatively common cause of aberrant splicing (PMID: 17576681, 9536098). Algorithms developed to predict the effect of sequence changes on RNA splicing suggest that this variant is not likely to affect RNA splicing. In summary, the available evidence is currently insufficient to determine the role of this variant in disease. Therefore, it has been classified as a Variant of Uncertain Significance.

Literature cited by the submitters: PubMed 17576681; PubMed 9536098.

NM_020812.4(DOCK6):c.5689-3C>T

Gene: DOCK6 (dedicator of cytokinesis 6; minus strand). Cytogenetic location: 19p13.2.
Variant type: single nucleotide variant.
Coding change: c.5689-3C>T on transcript NM_020812.4 (MANE Select); 3 bases into the intron before coding-DNA position 5689, C replaced by T.
Molecular consequence: intron variant.
Genome position (GRCh38, 1-based): chr19:11,201,055, G>A on the plus strand (C>T on the coding strand, the complement: DOCK6 is on the minus strand). VCF-style: chr19-11201055-G-A. GRCh37 (hg19) VCF-style: chr19-11311731-G-A.
Other names: c.5794-3C>T (NM_001367830.1).
Identifiers: ClinVar variation 1488637 (VCV001488637.3), dbSNP rs768791989, ClinGen allele CA9206367.